The following is an entry in ClinVar:

NM_000399.5(EGR2):c.1207T>G (p.Cys403Gly)

Gene: EGR2 (early growth response 2; minus strand). Cytogenetic location: 10q21.3.
Variant type: single nucleotide variant.
Coding change: c.1207T>G on transcript NM_000399.5 (MANE Select); coding-DNA position 1207, T replaced by G.
Protein change: p.Cys403Gly; replaces cysteine 403 with glycine.
Molecular consequence: missense variant.
Genome position (GRCh38, 1-based): chr10:62,813,431, A>C on the plus strand (T>G on the coding strand, the complement: EGR2 is on the minus strand). VCF-style: chr10-62813431-A-C. GRCh37 (hg19) VCF-style: chr10-64573191-A-C.
Other names: c.1207T>G, p.Cys403Gly (NM_001136177.3, NM_001136178.2); c.1057T>G, p.Cys353Gly (NM_001136179.3, NM_001321037.2); short protein forms C403G, C353G.
Identifiers: ClinVar variation 531699 (VCV000531699.8), dbSNP rs1554853016, ClinGen allele CA377027354.

ClinVar aggregate classification (germline): Uncertain significance (1 of 4 stars; one submission).

Conditions:
Charcot-Marie-Tooth disease, type I (CMT1). Also called: Charcot-Marie-Tooth disease type 1; Charcot-Marie-Tooth, Type 1. Identifiers: Orphanet 65753, MedGen C0751036, MONDO:0019011.

Submission:

Labcorp Genetics (formerly Invitae), Labcorp
Classification: Uncertain significance for Charcot-Marie-Tooth disease, type I. Last evaluated: 2017-10-11. Review status: criteria provided, single submitter. Criteria: Invitae Variant Classification Sherloc (09022015). Collection method: clinical testing. Allele origin: germline.
Comment: In summary, the available evidence is currently insufficient to determine the role of this variant in disease. Therefore, it has been classified as a Variant of Uncertain Significance. Algorithms developed to predict the effect of missense changes on protein structure and function do not agree on the potential impact of this missense change (SIFT: "Deleterious"; PolyPhen-2: "Possibly Damaging"; Align-GVGD: "Class C0"). This variant has not been reported in the literature in individuals with EGR2-related disease. This variant is not present in population databases (ExAC no frequency). This sequence change replaces cysteine with glycine at codon 403 of the EGR2 protein (p.Cys403Gly). The cysteine residue is highly conserved and there is a large physicochemical difference between cysteine and glycine.